The following is an entry in ClinVar:

NM_002850.4(PTPRS):c.4452G>A (p.Ser1484=)

Gene: PTPRS (protein tyrosine phosphatase receptor type S; minus strand). Cytogenetic location: 19p13.3.
Variant type: single nucleotide variant.
Coding change: c.4452G>A on transcript NM_002850.4 (MANE Select); coding-DNA position 4452, G replaced by A.
Protein change: p.Ser1484=; no amino-acid change (serine 1484 retained).
Molecular consequence: synonymous variant.
Genome position (GRCh38, 1-based): chr19:5,214,603, C>T on the plus strand (G>A on the coding strand, the complement: PTPRS is on the minus strand). VCF-style: chr19-5214603-C-T. GRCh37 (hg19) VCF-style: chr19-5214614-C-T.
Other names: c.4386G>A, p.Ser1462= (NM_001394011.1); c.4365G>A, p.Ser1455= (NM_001394012.1); c.4326G>A, p.Ser1442= (NM_001394013.1); c.3111G>A, p.Ser1037= (NM_130853.3); c.4338G>A, p.Ser1446= (NM_130854.3); c.3123G>A, p.Ser1041= (NM_130855.3).
Identifiers: ClinVar variation 3048115 (VCV003048115.2), dbSNP rs149934681, ClinGen allele CA9109132.

ClinVar aggregate classification (germline): Likely benign (0 of 4 stars; one submission).

Conditions:
PTPRS-related disorder. Also called: PTPRS-related condition.

Allele frequency attached by ClinVar (database versions not stated): gnomAD exomes 0.00003; ExAC 0.00004; gnomAD 0.00005; 1000 Genomes Project 0.00020; TOPMed 0.00023; 1000 Genomes Project 30x 0.00031.
gnomAD v4.1: 55 of 1,612,550 alleles (0.0034%); highest among the groups gnomAD compares: Admixed American, 0.027%; no homozygotes.

Submission:

PreventionGenetics, part of Exact Sciences
Classification: Likely benign for PTPRS-related condition. Last evaluated: 2019-11-16. Review status: no assertion criteria provided. Collection method: clinical testing. Allele origin: germline.
Comment: This variant is classified as likely benign based on ACMG/AMP sequence variant interpretation guidelines (Richards et al. 2015 PMID: 25741868, with internal and published modifications).